The following is an entry in ClinVar:

ClinVar aggregate classification (germline): Conflicting classifications of pathogenicity. Review status: criteria provided, conflicting classifications (1 of 4 stars). 2 submissions from 2 submitters: Uncertain significance (1); Likely benign (1). Last evaluated 2025-08-18.

Conditions:
Carney complex, type 1 (CNC1). Also called: CARNEY MYXOMA-ENDOCRINE COMPLEX; CARNEY COMPLEX, TYPE I. Identifiers: Orphanet 1359, MedGen C2607929, MONDO:0008057, OMIM 160980.
Hereditary cancer-predisposing syndrome. Also called: Neoplastic Syndromes, Hereditary; Hereditary Cancer Syndrome; Tumor predisposition; Hereditary neoplastic syndrome. Identifiers: Orphanet 140162, MedGen C0027672, MeSH D009386, MONDO:0015356.

gnomAD v4.1: 2 of 1,612,250 alleles (0.00012%); highest among the groups gnomAD compares: South Asian, 0.0011%; no homozygotes.

Submissions (2):

Labcorp Genetics (formerly Invitae), Labcorp
Classification: Likely benign for Carney complex, type 1. Last evaluated: 2025-08-18. Review status: criteria provided, single submitter. Criteria: Invitae Variant Classification Sherloc (09022015). Collection method: clinical testing. Allele origin: germline.

Ambry Genetics
Classification: Uncertain significance for Hereditary cancer-predisposing syndrome. Last evaluated: 2025-01-07. Review status: criteria provided, single submitter. Criteria: Ambry Variant Classification Scheme 2023. Collection method: clinical testing. Allele origin: germline.
Comment: The c.973+3A>G intronic variant results from an A to G substitution 3 nucleotides after coding exon 9 in the PRKAR1A gene. This nucleotide position is highly conserved in available vertebrate species. In silico splice site analysis predicts that this alteration will not have any significant effect on splicing. Based on the available evidence, the clinical significance of this variant remains unclear.

NM_002734.5(PRKAR1A):c.973+3A>G

Gene: PRKAR1A (protein kinase cAMP-dependent type I regulatory subunit alpha; plus strand). Cytogenetic location: 17q24.2.
Variant type: single nucleotide variant.
Coding change: c.973+3A>G on transcript NM_002734.5 (MANE Select); 3 bases into the intron after coding-DNA position 973, A replaced by G.
Molecular consequence: intron variant.
Genome position (GRCh38, 1-based): chr17:68,530,004, A>G. VCF-style: chr17-68530004-A-G. GRCh37 (hg19) VCF-style: chr17-66526145-A-G.
Other names: c.973+3A>G (NM_001278433.2, NM_001369389.1, NM_212471.3 and 4 more transcripts).
Identifiers: ClinVar variation 3783305 (VCV003783305.2).